The following is an entry in ClinVar:

NM_001267550.2(TTN):c.77902G>T (p.Glu25968Ter)

Genes: TTN-AS1 (TTN antisense RNA 1; plus strand), TTN (titin; minus strand). Cytogenetic location: 2q31.2.
Variant type: single nucleotide variant.
Coding change: c.77902G>T on transcript NM_001267550.2 (MANE Select); coding-DNA position 77902, G replaced by T.
Protein change: p.Glu25968Ter; replaces glutamic acid 25968 with a stop codon.
Molecular consequence: nonsense.
Genome position (GRCh38, 1-based): chr2:178,568,230, C>A on the plus strand (G>T on the coding strand, the complement: TTN is on the minus strand). VCF-style: chr2-178568230-C-A. GRCh37 (hg19) VCF-style: chr2-179432957-C-A.
Other names: c.72979G>T, p.Glu24327Ter (NM_001256850.1); c.50707G>T, p.Glu16903Ter (NM_003319.4); c.70198G>T, p.Glu23400Ter (NM_133378.4); c.51082G>T, p.Glu17028Ter (NM_133432.3); c.51283G>T, p.Glu17095Ter (NM_133437.4); short protein forms E17028*, E25968*, E23400*, E24327*, E17095*, E16903*.
Identifiers: ClinVar variation 2943215 (VCV002943215.3), dbSNP rs756933390, ClinGen allele CA349604252.
Genomic context (GRCh38, chr2:178,568,230, plus strand): 5'-AGGGATATTGAGCTACAATTGGATCAGACTCTAAGGCAAAGCTTTGTCCATATCTGTTTT[C>A]GGCAAATATTCTAAATTGGTATTCTGTACCAGTTTTCAGTTTGGTCACTTTGAGTGTAGT-3'

ClinVar aggregate classification (germline): Likely pathogenic (1 of 4 stars; one submission).

Conditions:
Dilated cardiomyopathy 1G (CMD1G). Identifiers: Orphanet 154, MedGen C1858763, MONDO:0011400, OMIM 604145.
Autosomal recessive limb-girdle muscular dystrophy type 2J (LGMDR10). Also called: MUSCULAR DYSTROPHY, LIMB-GIRDLE, AUTOSOMAL RECESSIVE 10; Limb-girdle muscular dystrophy, type 2J. Identifiers: Orphanet 140922, MedGen C1837342, MONDO:0012127, OMIM 608807.

Submission:

Labcorp Genetics (formerly Invitae), Labcorp
Classification: Likely pathogenic for Dilated cardiomyopathy 1G; Autosomal recessive limb-girdle muscular dystrophy type 2J. Last evaluated: 2024-01-17. Review status: criteria provided, single submitter. Criteria: Invitae Variant Classification Sherloc (09022015). Collection method: clinical testing. Allele origin: germline.
Comment: This sequence change creates a premature translational stop signal (p.Glu25968*) in the TTN gene. While this is not anticipated to result in nonsense mediated decay, it is expected to create a truncated TTN protein. This variant is not present in population databases (gnomAD no frequency). This variant has not been reported in the literature in individuals affected with TTN-related conditions. While this is not anticipated to result in nonsense mediated decay, it is expected to create a truncated TTN protein. This variant is located in the A band of TTN (PMID: 25589632). Truncating variants in this region are significantly overrepresented in patients affected with dilated cardiomyopathy (PMID: 25589632). Truncating variants in this region have also been reported in individuals affected with autosomal recessive centronuclear myopathy (PMID: 23975875). In summary, the currently available evidence indicates that the variant is pathogenic, but additional data are needed to prove that conclusively. Therefore, this variant has been classified as Likely Pathogenic.

Literature cited by the submitters: PubMed 25589632; PubMed 23975875.